The following is an entry in ClinVar:

NM_001363711.2(DUOX2):c.4133A>C (p.Glu1378Ala)

Gene: DUOX2 (dual oxidase 2; minus strand). Cytogenetic location: 15q21.1.
Variant type: single nucleotide variant.
Coding change: c.4133A>C on transcript NM_001363711.2 (MANE Select); coding-DNA position 4133, A replaced by C.
Protein change: p.Glu1378Ala; replaces glutamic acid 1378 with alanine.
Molecular consequence: missense variant.
Genome position (GRCh38, 1-based): chr15:45,095,543, T>G on the plus strand (A>C on the coding strand, the complement: DUOX2 is on the minus strand). VCF-style: chr15-45095543-T-G. GRCh37 (hg19) VCF-style: chr15-45387741-T-G.
Other names: c.4133A>C, p.Glu1378Ala (NM_014080.5); short protein forms E1378A.
Identifiers: ClinVar variation 1523320 (VCV001523320.7), dbSNP rs200172076, ClinGen allele CA7537614.

ClinVar aggregate classification (germline): Uncertain significance (1 of 4 stars; one submission).

Allele frequency attached by ClinVar (database versions not stated): ExAC 0.00005; gnomAD exomes 0.00006 and 0.00013; TOPMed 0.00008; gnomAD 0.00009; 1000 Genomes Project 0.00020; 1000 Genomes Project 30x 0.00031.

Submission:

Labcorp Genetics (formerly Invitae), Labcorp
Classification: Uncertain significance. Last evaluated: 2026-01-26. Review status: criteria provided, single submitter. Criteria: Invitae Variant Classification Sherloc (09022015). Collection method: clinical testing. Allele origin: germline.
Comment: This sequence change replaces glutamic acid, which is acidic and polar, with alanine, which is neutral and non-polar, at codon 1378 of the DUOX2 protein (p.Glu1378Ala). This variant is present in population databases (rs200172076, gnomAD 0.01%). This variant has not been reported in the literature in individuals affected with DUOX2-related conditions. ClinVar contains an entry for this variant (Variation ID: 1523320). Invitae Evidence Modeling of protein sequence and biophysical properties (such as structural, functional, and spatial information, amino acid conservation, physicochemical variation, residue mobility, and thermodynamic stability) indicates that this missense variant is expected to disrupt DUOX2 protein function with a positive predictive value of 80%. In summary, the available evidence is currently insufficient to determine the role of this variant in disease. Therefore, it has been classified as a Variant of Uncertain Significance.